The following is an entry in ClinVar:

ClinVar aggregate classification (germline): Uncertain significance. Review status: criteria provided, multiple submitters, no conflicts (2 of 4 stars). 2 submissions from 2 submitters: Uncertain significance (2). Last evaluated 2025-12-22.

Conditions:
Hereditary cancer-predisposing syndrome. Also called: Tumor predisposition; Neoplastic Syndromes, Hereditary; Hereditary neoplastic syndrome; Hereditary Cancer Syndrome. Identifiers: Orphanet 140162, MedGen C0027672, MeSH D009386, MONDO:0015356.
Gastrointestinal stromal tumor. Also called: Gastrointestinal stromal tumor, somatic; Gastrointestinal stroma tumor. Identifiers: Orphanet 44890, MedGen C0238198, MeSH D046152, MONDO:0011719, OMIM 606764, HP:0100723.

Submissions (2):

Labcorp Genetics (formerly Invitae), Labcorp
Classification: Uncertain significance for Gastrointestinal stromal tumor. Last evaluated: 2025-12-22. Review status: criteria provided, single submitter. Criteria: Invitae Variant Classification Sherloc (09022015). Collection method: clinical testing. Allele origin: germline.
Comment: This sequence change replaces aspartic acid, which is acidic and polar, with histidine, which is basic and polar, at codon 159 of the KIT protein (p.Asp159His). This variant is not present in population databases (gnomAD no frequency). This variant has not been reported in the literature in individuals affected with KIT-related conditions. ClinVar contains an entry for this variant (Variation ID: 1025737). An algorithm developed to predict the effect of missense changes on protein structure and function (PolyPhen-2) suggests that this variant is likely to be disruptive. In summary, the available evidence is currently insufficient to determine the role of this variant in disease. Therefore, it has been classified as a Variant of Uncertain Significance.

Ambry Genetics
Classification: Uncertain significance for Hereditary cancer-predisposing syndrome. Last evaluated: 2023-11-08. Review status: criteria provided, single submitter. Criteria: Ambry Variant Classification Scheme 2023. Collection method: clinical testing. Allele origin: germline.
Comment: The p.D159H variant (also known as c.475G>C), located in coding exon 3 of the KIT gene, results from a G to C substitution at nucleotide position 475. The aspartic acid at codon 159 is replaced by histidine, an amino acid with similar properties. This amino acid position is conserved. In addition, this alteration is predicted to be tolerated by in silico analysis. Since supporting evidence is limited at this time, the clinical significance of this alteration remains unclear.

NM_000222.3(KIT):c.475G>C (p.Asp159His)

Gene: KIT (KIT proto-oncogene, receptor tyrosine kinase; plus strand). Cytogenetic location: 4q12.
Variant type: single nucleotide variant.
Coding change: c.475G>C on transcript NM_000222.3 (MANE Select); coding-DNA position 475, G replaced by C.
Protein change: p.Asp159His; replaces aspartic acid 159 with histidine.
Molecular consequence: missense variant.
Genome position (GRCh38, 1-based): chr4:54,698,421, G>C. VCF-style: chr4-54698421-G-C. GRCh37 (hg19) VCF-style: chr4-55564587-G-C.
Other names: c.475G>C, p.Asp159His (NM_001093772.2, NM_001385284.1, NM_001385285.1 and 4 more transcripts); c.475G>C (NM_000222.2); short protein forms D159H.
Identifiers: ClinVar variation 1025737 (VCV001025737.10), dbSNP rs1720228389, ClinGen allele CA356897664.
Genomic context (GRCh38, chr4:54,698,421, plus strand): 5'-ACAGACCCAGAAGTGACCAATTATTCCCTCAAGGGGTGCCAGGGGAAGCCTCTTCCCAAG[G>C]ACTTGAGGTTTATTCCTGACCCCAAGGCGGGCATCATGATCAAAAGTGTGAAACGCGCCT-3'
Protein context (NP_000213.1, residues 149-169): KGCQGKPLPK[Asp159His]LRFIPDPKAG